The following is an entry in ClinVar:

ClinVar aggregate classification (germline): Pathogenic (1 of 4 stars; one submission).

Conditions:
Duchenne muscular dystrophy (DMD). Also called: Duchenne Muscular Dystrophy (DMD); MUSCULAR DYSTROPHY, PSEUDOHYPERTROPHIC PROGRESSIVE, DUCHENNE TYPE. Identifiers: Orphanet 98896, MedGen C0013264, MONDO:0010679, OMIM 310200.

Submission:

Labcorp Genetics (formerly Invitae), Labcorp
Classification: Pathogenic for Duchenne muscular dystrophy. Last evaluated: 2022-03-29. Review status: criteria provided, single submitter. Criteria: Invitae Variant Classification Sherloc (09022015). Collection method: clinical testing. Allele origin: germline.
Comment: For these reasons, this variant has been classified as Pathogenic. A similar copy number variant has been observed in individual(s) with Duchenne muscular dystrophy (PMID: 31705731). This variant is a gross deletion of the genomic region encompassing exon(s) 58-63 of the DMD gene. This deletion is out-of-frame, and is expected to create a premature termination codon and result in an absent or disrupted protein product. Loss-of-function variants in DMD are known to be pathogenic (PMID: 16770791, 25007885).

Literature cited by the submitters: PubMed 31705731; PubMed 16770791; PubMed 25007885.

NC_000023.10:g.(?_31279052)_(31497240_?)del

Gene: DMD (dystrophin; minus strand). Cytogenetic location: Xp21.2.
Variant type: Deletion.
Identifiers: ClinVar variation 2424928 (VCV002424928.5).